The following is an entry in ClinVar:

NM_017780.4(CHD7):c.3905_3906dup (p.Lys1303Ter)

Gene: CHD7 (chromodomain helicase DNA binding protein 7; plus strand). Cytogenetic location: 8q12.2.
Variant type: Duplication.
Coding change: c.3905_3906dup on transcript NM_017780.4 (MANE Select); coding-DNA positions 3905 to 3906, 2 bases duplicated (TG; older notation c.3905_3906dupTG).
Protein change: p.Lys1303Ter; replaces lysine 1303 with a stop codon.
Molecular consequence: nonsense. On other transcripts: intron variant (1).
Genome position (GRCh38, 1-based): chr8:60,836,199-60,836,200, TG duplicated. VCF-style (leftmost placement, unchanged base first): chr8-60836198-C-CTG. GRCh37 (hg19) VCF-style: chr8-61748757-C-CTG.
Other names: c.3905_3906dup (LRG_176t1); c.1717-26030_1717-26029dup (NM_001316690.1); short protein forms K1303*.
Identifiers: ClinVar variation 419812 (VCV000419812.1), dbSNP rs1554600530, ClinGen allele CA16618667.

ClinVar aggregate classification (germline): Pathogenic (1 of 4 stars; one submission).

Submission:

GeneDx
Classification: Pathogenic. Last evaluated: 2015-09-01. Review status: criteria provided, single submitter. Criteria: GeneDx Variant Classification (06012015). Collection method: clinical testing. Allele origin: germline. Affected: yes.
Comment: The c.3905_3906dupTG duplication in the CHD7 gene has not been reported previously in association with CHARGE syndrome to our knowledge. However, a similar nonsense variant resulting in the same amino acid change, c.3907A>T (p.K1303X), has been reported in association with CHARGE syndrome (Shoji et al., 2014). Therefore, the current c.3905_3906dupTG variant is predicted to cause loss of normal protein function either through protein truncation or nonsense-mediated mRNA decay. Given the available evidence, we interpret this duplication as a pathogenic variant.